The following is an entry in ClinVar:

ClinVar aggregate classification (germline): Benign (1 of 4 stars; one submission).

Allele frequency attached by ClinVar (database versions not stated): 1000 Genomes Project 30x 0.99438; 1000 Genomes Project 0.99444; TOPMed 0.99893; ExAC 0.99939.

Submission:

Unidad de Genómica Garrahan, Hospital de Pediatría Garrahan
Classification: Benign. Last evaluated: 2024-01-24. Review status: criteria provided, single submitter. Criteria: ACMG Guidelines, 2015. Collection method: clinical testing. Allele origin: germline. Affected: no. Observed: 95 variant alleles.
Comment: This variant is classified as Benign based on local population frequency. This variant was detected in 100% of patients studied by a panel of primary immunodeficiencies. Number of patients: 95. Only high quality variants are reported.

NM_003334.4(UBA1):c.1-555A>G

Genes: UBA1 (ubiquitin like modifier activating enzyme 1; plus strand), LOC126863253 (CDK7 strongly-dependent group 2 enhancer GRCh37_chrX:47057593-47058792; plus strand). Cytogenetic location: Xp11.3.
Variant type: single nucleotide variant.
Coding change: c.1-555A>G on transcript NM_003334.4 (MANE Select); 555 bases into the intron before coding-DNA position 1, A replaced by G.
Molecular consequence: intron variant.
Genome position (GRCh38, 1-based): chrX:47,198,248, A>G. VCF-style: chrX-47198248-A-G. GRCh37 (hg19) VCF-style: chrX-47057647-A-G.
Other names: c.1-555A>G (NM_153280.3).
Identifiers: ClinVar variation 2688098 (VCV002688098.2), dbSNP rs4468050, ClinGen allele CA10395559.